The following is an entry in ClinVar:

ClinVar aggregate classification (germline): Uncertain significance (1 of 4 stars; one submission).

Allele frequency attached by ClinVar (database versions not stated): 1000 Genomes Project 30x 0.00016; ExAC 0.00018; 1000 Genomes Project 0.00020; gnomAD 0.00052; gnomAD exomes 0.00070.
gnomAD v4.1: 1,064 of 1,550,324 alleles (0.069%); highest among the groups gnomAD compares: Non-Finnish European, 0.082%; 2 homozygotes.

Submission:

Labcorp Genetics (formerly Invitae), Labcorp
Classification: Uncertain significance. Last evaluated: 2025-11-16. Review status: criteria provided, single submitter. Criteria: Invitae Variant Classification Sherloc (09022015). Collection method: clinical testing. Allele origin: germline.
Comment: This sequence change replaces leucine, which is neutral and non-polar, with valine, which is neutral and non-polar, at codon 543 of the CCDC141 protein (p.Leu543Val). This variant is present in population databases (rs199718873, gnomAD 0.08%), and has an allele count higher than expected for a pathogenic variant. This variant has not been reported in the literature in individuals affected with CCDC141-related conditions. ClinVar contains an entry for this variant (Variation ID: 2052229). An algorithm developed to predict the effect of missense changes on protein structure and function (PolyPhen-2) suggests that this variant is likely to be disruptive. In summary, the available evidence is currently insufficient to determine the role of this variant in disease. Therefore, it has been classified as a Variant of Uncertain Significance.

NM_173648.4(CCDC141):c.1627C>G (p.Leu543Val)

Gene: CCDC141 (coiled-coil domain containing 141; minus strand). Cytogenetic location: 2q31.2.
Variant type: single nucleotide variant.
Coding change: c.1627C>G on transcript NM_173648.4 (MANE Select); coding-DNA position 1627, C replaced by G.
Protein change: p.Leu543Val; replaces leucine 543 with valine.
Molecular consequence: missense variant.
Genome position (GRCh38, 1-based): chr2:178,884,993, G>C on the plus strand (C>G on the coding strand, the complement: CCDC141 is on the minus strand). VCF-style: chr2-178884993-G-C. GRCh37 (hg19) VCF-style: chr2-179749720-G-C.
Other names: c.1627C>G, p.Leu543Val (NM_001316745.2); short protein forms L543V.
Identifiers: ClinVar variation 2052229 (VCV002052229.4), dbSNP rs199718873, ClinGen allele CA2007237.
Genomic context (GRCh38, chr2:178,884,993, plus strand): 5'-TTTGCAGGACTTGCGATCTATAGTCAATGCTTTGGCCAAATAGGTTTAATTCTTCTGCTA[G>C]CCATCTAGCTTTAGAGGAAAGTGATACCATTTCATCAGATACAAATTCATTTTTCTCCAT-3'
Protein context (NP_775919.3, residues 533-553): MVSLSSKARW[Leu543Val]AEELNLFGQS